The following is an entry in ClinVar:

ClinVar aggregate classification (germline): Likely benign. Review status: criteria provided, multiple submitters, no conflicts (2 of 4 stars). 5 submissions from 5 submitters: Likely benign (5). Last evaluated 2024-12-05.

Conditions:
Familial thoracic aortic aneurysm and aortic dissection (TAAD). Also called: Thoracic aortic aneurysms and dissections. Identifiers: Orphanet 91387, MedGen C4707243, MONDO:0019625.
Marfan syndrome (MFS). Also called: Marfan syndrome, classic; Marfan syndrome type 1; Marfan's syndrome; FBN1-Related Marfan Syndrome; MARFAN SYNDROME, TYPE I. Identifiers: Orphanet 284963, Orphanet 558, MedGen C0024796, MONDO:0007947, OMIM 154700.

Allele frequency attached by ClinVar (database versions not stated): ExAC 0.00001; gnomAD exomes below 0.00001 and 0.00002; gnomAD 0.00001; TOPMed 0.00001; ESP Exome Variant Server 0.00008.
gnomAD v4.1: 26 of 1,612,474 alleles (0.0016%); highest among the groups gnomAD compares: Non-Finnish European, 0.0021%; no homozygotes.

Submissions (5):

Ambry Genetics
Classification: Likely benign for Familial thoracic aortic aneurysm and aortic dissection. Last evaluated: 2024-12-05. Review status: criteria provided, single submitter. Criteria: Ambry Variant Classification Scheme 2023. Collection method: clinical testing. Allele origin: germline.

Labcorp Genetics (formerly Invitae), Labcorp
Classification: Likely benign for Marfan syndrome; Familial thoracic aortic aneurysm and aortic dissection. Last evaluated: 2024-11-13. Review status: criteria provided, single submitter. Criteria: Invitae Variant Classification Sherloc (09022015). Collection method: clinical testing. Allele origin: germline.

All of Us Research Program, National Institutes of Health
Classification: Likely benign for Marfan syndrome. Last evaluated: 2024-09-11. Review status: criteria provided, single submitter. Criteria: ACMG Guidelines, 2015. Collection method: clinical testing. Allele origin: germline. Inheritance: Autosomal dominant inheritance. Observed: 4 variant alleles, 4 heterozygotes.
Comment: This study involves interpretation of variants in research participants for the purpose of population health screening. Participant phenotype was not available at the time of variant classification. Additional details can be found in publication PMID: 35346344, PMCID: PMC8962531

Women's Health and Genetics/Laboratory Corporation of America, LabCorp
Classification: Likely benign. Last evaluated: 2023-07-16. Review status: criteria provided, single submitter. Criteria: LabCorp Variant Classification Summary - May 2015. Collection method: clinical testing. Allele origin: germline.

Color Diagnostics, LLC DBA Color Health
Classification: Likely benign for Familial thoracic aortic aneurysm and aortic dissection. Last evaluated: 2019-02-16. Review status: criteria provided, single submitter. Criteria: ACMG Guidelines, 2015. Collection method: clinical testing. Allele origin: germline.

NM_000138.5(FBN1):c.174C>A (p.Val58=)

Gene: FBN1 (fibrillin 1; minus strand). Cytogenetic location: 15q21.1.
Variant type: single nucleotide variant.
Coding change: c.174C>A on transcript NM_000138.5 (MANE Select); coding-DNA position 174, C replaced by A.
Protein change: p.Val58=; no amino-acid change (valine 58 retained).
Molecular consequence: synonymous variant.
Genome position (GRCh38, 1-based): chr15:48,613,083, G>T on the plus strand (C>A on the coding strand, the complement: FBN1 is on the minus strand). VCF-style: chr15-48613083-G-T. GRCh37 (hg19) VCF-style: chr15-48905280-G-T.
Identifiers: ClinVar variation 920978 (VCV000920978.10), dbSNP rs369096927, ClinGen allele CA045867.